The following is an entry in ClinVar:

NM_001371928.1(AHDC1):c.3713A>G (p.Lys1238Arg)

Gene: AHDC1 (AT-hook DNA binding motif containing 1; minus strand). Cytogenetic location: 1p36.11.
Variant type: single nucleotide variant.
Coding change: c.3713A>G on transcript NM_001371928.1 (MANE Select); coding-DNA position 3713, A replaced by G.
Protein change: p.Lys1238Arg; replaces lysine 1238 with arginine.
Molecular consequence: missense variant.
Genome position (GRCh38, 1-based): chr1:27,548,403, T>C on the plus strand (A>G on the coding strand, the complement: AHDC1 is on the minus strand). VCF-style: chr1-27548403-T-C. GRCh37 (hg19) VCF-style: chr1-27874914-T-C.
Other names: c.3713A>G, p.Lys1238Arg (NM_001029882.3); c.-331A>G (NM_015699.1); short protein forms K1238R.
Identifiers: ClinVar variation 1967296 (VCV001967296.5), dbSNP rs367749243, ClinGen allele CA715515.
Genomic context (GRCh38, chr1:27,548,403, plus strand): 5'-GAGGCAGCGGCAGAGGCGGATGTCGGGAAGCCCAGATGTGAGGCCTCGAACAGGTCCACC[T>C]TCTTCCGCCGTCCACGGCCCGGCTTGGAGCTACTCTGAAAGAGGACACTCTGGTTCCAGT-3'
Protein context (NP_001358857.1, residues 1228-1248): SSKPGRGRRK[Lys1238Arg]VDLFEASHLG

ClinVar aggregate classification (germline): Uncertain significance (1 of 4 stars; one submission).

Allele frequency attached by ClinVar (database versions not stated): ExAC 0.00001; ESP Exome Variant Server 0.00008.

Submission:

Labcorp Genetics (formerly Invitae), Labcorp
Classification: Uncertain significance. Last evaluated: 2022-11-15. Review status: criteria provided, single submitter. Criteria: Invitae Variant Classification Sherloc (09022015). Collection method: clinical testing. Allele origin: germline.
Comment: In summary, the available evidence is currently insufficient to determine the role of this variant in disease. Therefore, it has been classified as a Variant of Uncertain Significance. Algorithms developed to predict the effect of missense changes on protein structure and function are either unavailable or do not agree on the potential impact of this missense change (SIFT: "Tolerated"; PolyPhen-2: "Possibly Damaging"; Align-GVGD: "Class C0"). This variant has not been reported in the literature in individuals affected with AHDC1-related conditions. This variant is present in population databases (rs367749243, gnomAD 0.0009%). This sequence change replaces lysine, which is basic and polar, with arginine, which is basic and polar, at codon 1238 of the AHDC1 protein (p.Lys1238Arg).